The following is an entry in ClinVar:

NM_014989.7(RIMS1):c.1288G>T (p.Ala430Ser)

Gene: RIMS1 (regulating synaptic membrane exocytosis 1; plus strand). Cytogenetic location: 6q13.
Variant type: single nucleotide variant.
Coding change: c.1288G>T on transcript NM_014989.7 (MANE Select); coding-DNA position 1288, G replaced by T.
Protein change: p.Ala430Ser; replaces alanine 430 with serine.
Molecular consequence: missense variant.
Genome position (GRCh38, 1-based): chr6:72,182,759, G>T. VCF-style: chr6-72182759-G-T. GRCh37 (hg19) VCF-style: chr6-72892462-G-T.
Other names: c.1288G>T (NM_014989.4); short protein forms A430S.
Identifiers: ClinVar variation 3643092 (VCV003643092.3).

ClinVar aggregate classification (germline): Uncertain significance. Review status: criteria provided, multiple submitters, no conflicts (2 of 4 stars). 2 submissions from 2 submitters: Uncertain significance (2). Last evaluated 2025-05-17.

gnomAD v4.1: 2 of 1,543,876 alleles (0.00013%); highest among the groups gnomAD compares: South Asian, 0.0024%; no homozygotes.

Submissions (2):

Ambry Genetics
Classification: Uncertain significance. Last evaluated: 2025-05-17. Review status: criteria provided, single submitter. Criteria: Ambry Variant Classification Scheme 2023. Collection method: clinical testing. Allele origin: germline.

Labcorp Genetics (formerly Invitae), Labcorp
Classification: Uncertain significance. Last evaluated: 2024-02-24. Review status: criteria provided, single submitter. Criteria: Invitae Variant Classification Sherloc (09022015). Collection method: clinical testing. Allele origin: germline.
Comment: This sequence change replaces alanine, which is neutral and non-polar, with serine, which is neutral and polar, at codon 430 of the RIMS1 protein (p.Ala430Ser). The frequency data for this variant in the population databases is considered unreliable, as metrics indicate poor data quality at this position in the gnomAD database. This variant has not been reported in the literature in individuals affected with RIMS1-related conditions. An algorithm developed to predict the effect of missense changes on protein structure and function (PolyPhen-2) suggests that this variant is likely to be tolerated. In summary, the available evidence is currently insufficient to determine the role of this variant in disease. Therefore, it has been classified as a Variant of Uncertain Significance.